The following is an entry in ClinVar:

ClinVar aggregate classification (germline): Conflicting classifications of pathogenicity. Review status: criteria provided, conflicting classifications (1 of 4 stars). 2 submissions from 2 submitters: Likely pathogenic (1); Uncertain significance (1). Last evaluated 2024-09-03.

Conditions:
Acrodysostosis 2 with or without hormone resistance. Also called: ACRODYSOSTOSIS 2 WITH HORMONE RESISTANCE; ACRODYSOSTOSIS 2 WITHOUT HORMONE RESISTANCE. Identifiers: Orphanet 280651, MedGen C3553250, MONDO:0013822, OMIM 614613.

Submissions (2):

Center for Human Genetics and Genomic Medicine, Uniklinik Rwth Aachen
Classification: Likely pathogenic for Acrodysostosis 2 with or without hormone resistance. Last evaluated: 2024-09-03. Review status: criteria provided, single submitter. Criteria: ACMG Guidelines, 2015. Collection method: clinical testing. Allele origin: maternal. Inheritance: Autosomal dominant inheritance. Affected: yes. Observed: 1 heterozygote.
Comment: The variant is not listed in control databases (gnomAD). ClinVar contains no entry for this variant. Bioninformatic prediction tools predict a deleterious effect (CADD Phred 26.7, REVEL 0.749). The Variant segregates within two affected individuals in one family. The variant is located within the regulatory domain of the PDE4D protein (UCR1 region), where other (likely) pathogenic variants have been desribed before (PMID: 33858404).The variant is classified as likely pathogenic.

Juno Genomics, Hangzhou Juno Genomics, Inc
Classification: Uncertain significance for Acrodysostosis 2 with or without hormone resistance. Review status: criteria provided, single submitter. Criteria: ACMG Guidelines, 2015. Collection method: clinical testing. Allele origin: germline. Affected: yes.
Comment: Absent from controls (or at extremely low frequency if recessive) in Genome Aggregation Database, Exome Sequencing Project, 1000 Genomes Project, or Exome Aggregation Consortium.;Multiple lines of computational evidence support a deleterious effect on the gene or gene product (conservation, evolutionary, splicing impact, etc).;Assumed de novo, but without confirmation of paternity and maternity.;Missense variant in a gene that has a low rate of benign missense variation and where missense variants are a common mechanism of disease.

Literature cited by the submitters: PubMed 33858404 (cited by Center for Human Genetics and Genomic Medicine, Uniklinik Rwth Aachen).

NM_001104631.2(PDE4D):c.665T>C (p.Ile222Thr)

Gene: PDE4D (phosphodiesterase 4D; minus strand). Cytogenetic location: 5q11.2.
Variant type: single nucleotide variant.
Coding change: c.665T>C on transcript NM_001104631.2 (MANE Select); coding-DNA position 665, T replaced by C.
Protein change: p.Ile222Thr; replaces isoleucine 222 with threonine.
Molecular consequence: missense variant. On other transcripts: 5 prime UTR variant (3).
Genome position (GRCh38, 1-based): chr5:59,193,519, A>G on the plus strand (T>C on the coding strand, the complement: PDE4D is on the minus strand). VCF-style: chr5-59193519-A-G. GRCh37 (hg19) VCF-style: chr5-58489345-A-G.
Other names: c.482T>C, p.Ile161Thr (NM_001165899.2, NM_001364599.1, NM_001364600.2); c.473T>C, p.Ile158Thr (NM_001197218.2, NM_001364602.2); c.299T>C, p.Ile100Thr (NM_001197219.2); c.275T>C, p.Ile92Thr (NM_001197220.2); c.452T>C, p.Ile151Thr (NM_001349241.2); c.335T>C, p.Ile112Thr (NM_001349242.2); c.-30T>C (NM_001349243.2, NM_001364604.1); c.-286T>C (NM_001364603.1); and 1 more; short protein forms I100T, I112T, I151T, I158T, I161T, I222T, I86T, I92T.
Identifiers: ClinVar variation 3236684 (VCV003236684.5), dbSNP rs2530962892, ClinGen allele CA359930507.
Genomic context (GRCh38, chr5:59,193,519, plus strand): 5'-ACATCTGTGAGAAACCTGCCCATTCACCAAGCTGTGCTTACCTGAGCAAATGGAGTCACA[A>G]TCAAGTCATCTCCGTGTCTGAAAAATAAACCAAATCCCGCATTAGAAATCATCAATAACT-3'
Protein context (NP_001098101.1, residues 212-232): IASDIHGDDL[Ile222Thr]VTPFAQVLAS